The following is an entry in ClinVar:

ClinVar aggregate classification (germline): Benign. Review status: criteria provided, multiple submitters, no conflicts (2 of 4 stars). 2 submissions from 2 submitters: Benign (2). Last evaluated 2018-01-12.

Conditions:
Legius syndrome. Identifiers: Orphanet 137605, MedGen C1969623, MONDO:0012669, OMIM 611431. Disease mechanism: loss of function.

Allele frequency attached by ClinVar (database versions not stated): 1000 Genomes Project 0.13758; 1000 Genomes Project 30x 0.13929; TOPMed 0.18566; gnomAD 0.19602 and 0.19653; gnomAD exomes 0.25000.
gnomAD v4.1: 29,762 of 152,016 alleles (20%); highest among the groups gnomAD compares: Middle Eastern, 33%; 3,363 homozygotes.

Submissions (2):

Illumina Laboratory Services, Illumina
Classification: Benign for Legius syndrome. Last evaluated: 2018-01-12. Review status: criteria provided, single submitter. Criteria: ICSL Variant Classification Criteria 13 December 2019. Collection method: clinical testing. Allele origin: germline.
Comment: This variant was observed in the ICSL laboratory as part of a predisposition screen in an ostensibly healthy population. It had not been previously curated by ICSL or reported in the Human Gene Mutation Database (HGMD: prior to June 1st, 2018), and was therefore a candidate for classification through an automated scoring system. Utilizing variant allele frequency, disease prevalence and penetrance estimates, and inheritance mode, an automated score was calculated to assess if this variant is too frequent to cause the disease. Based on the score and internal cut-off values, a variant classified as benign is not then subjected to further curation. The score for this variant resulted in a classification of benign for this disease.

Breakthrough Genomics
Classification: Benign. Review status: criteria provided, single submitter. Criteria: ACMG Guidelines, 2015. Collection method: not provided. Allele origin: germline. Inheritance: Autosomal dominant inheritance. Affected: yes.

NM_152594.3(SPRED1):c.*2831G>A

Gene: SPRED1 (sprouty related EVH1 domain containing 1; plus strand). Cytogenetic location: 15q14.
Variant type: single nucleotide variant.
Coding change: c.*2831G>A on transcript NM_152594.3 (MANE Select); 2831 bases downstream of the stop codon, G replaced by A.
Molecular consequence: 3 prime UTR variant.
Genome position (GRCh38, 1-based): chr15:38,354,495, G>A. VCF-style: chr15-38354495-G-A. GRCh37 (hg19) VCF-style: chr15-38646696-G-A.
Identifiers: ClinVar variation 315762 (VCV000315762.6), dbSNP rs35490364, ClinGen allele CA10635913.
Genomic context (GRCh38, chr15:38,354,495, plus strand): 5'-TTCTTAAATATTTCTCTTGGCTTCAAAAGGGACATCATTTGATTTCTGAAGAAGTATGTC[G>A]TGTGGAGCTTCAGCACCACCTACTGGATGATTTCCAGGCCAGAGACATGAGATGGCAATA-3'